The following is an entry in ClinVar:

ClinVar aggregate classification (germline): Benign (0 of 4 stars; one submission).

Conditions:
EPPK1-related disorder. Also called: EPPK1-related condition.

Allele frequency attached by ClinVar (database versions not stated): 1000 Genomes Project 0.21286; TOPMed 0.27485; gnomAD 0.29182; ESP Exome Variant Server 0.29448.

Submission:

PreventionGenetics, part of Exact Sciences
Classification: Benign for EPPK1-related condition. Last evaluated: 2021-04-12. Review status: no assertion criteria provided. Collection method: clinical testing. Allele origin: germline.
Comment: This variant is classified as benign based on ACMG/AMP sequence variant interpretation guidelines (Richards et al. 2015 PMID: 25741868, with internal and published modifications).

NM_031308.4(EPPK1):c.6003G>A (p.Ala2001=)

Gene: EPPK1 (epiplakin 1; minus strand). Cytogenetic location: 8q24.3.
Variant type: single nucleotide variant.
Coding change: c.6003G>A on transcript NM_031308.4 (MANE Select); coding-DNA position 6003, G replaced by A.
Protein change: p.Ala2001=; no amino-acid change (alanine 2001 retained).
Molecular consequence: synonymous variant.
Genome position (GRCh38, 1-based): chr8:143,867,251, C>T on the plus strand (G>A on the coding strand, the complement: EPPK1 is on the minus strand). VCF-style: chr8-143867251-C-T. GRCh37 (hg19) VCF-style: chr8-144941419-C-T.
Identifiers: ClinVar variation 3035773 (VCV003035773.2), dbSNP rs12681478, ClinGen allele CA4921963.